The following is an entry in ClinVar:

NM_007294.4(BRCA1):c.4429T>C (p.Phe1477Leu)

Gene: BRCA1 (BRCA1 DNA repair associated; minus strand). Cytogenetic location: 17q21.31.
Variant type: single nucleotide variant.
Coding change: c.4429T>C on transcript NM_007294.4 (MANE Select); coding-DNA position 4429, T replaced by C.
Protein change: p.Phe1477Leu; replaces phenylalanine 1477 with leucine.
Molecular consequence: missense variant. On other transcripts: intron variant (3).
Genome position (GRCh38, 1-based): chr17:43,076,543, A>G on the plus strand (T>C on the coding strand, the complement: BRCA1 is on the minus strand). VCF-style: chr17-43076543-A-G. GRCh37 (hg19) VCF-style: chr17-41228560-A-G.
Other names: c.4429T>C, p.Phe1477Leu (NM_001407684.1, NM_001407652.1, NM_001407854.1 and 8 more transcripts); c.4300T>C, p.Phe1434Leu (NM_001407685.1, NM_001407686.1, NM_001407687.1 and 6 more transcripts); c.4297T>C, p.Phe1433Leu (NM_001407690.1, NM_001407691.1); c.4288T>C, p.Phe1430Leu (NM_001407696.1, NM_001407695.1, NM_001407692.1 and 13 more transcripts); c.4216T>C, p.Phe1406Leu (NM_001407571.1, NM_001407894.1, NM_001407895.1 and 12 more transcripts); c.4495T>C, p.Phe1499Leu (NM_001407581.1, NM_001407582.1); c.1117T>C, p.Phe373Leu (NM_001407979.1, NM_001407980.1, NM_001407981.1 and 12 more transcripts); c.1114T>C, p.Phe372Leu (NM_001408402.1, NM_001408403.1, NM_001408404.1 and 8 more transcripts); and 71 more; short protein forms F1181L, F1349L, F1350L, F1388L, F1430L, F1436L, F1497L, F206L.
Identifiers: ClinVar variation 4215092 (VCV004215092.1).

ClinVar aggregate classification (germline): Uncertain significance (1 of 4 stars; one submission).

Conditions:
Hereditary cancer-predisposing syndrome. Also called: Neoplastic Syndromes, Hereditary; Tumor predisposition; Hereditary Cancer Syndrome; Hereditary neoplastic syndrome. Identifiers: Orphanet 140162, MedGen C0027672, MeSH D009386, MONDO:0015356.

Submission:

Ambry Genetics
Classification: Uncertain significance for Hereditary cancer-predisposing syndrome. Last evaluated: 2025-07-18. Review status: criteria provided, single submitter. Criteria: Ambry Variant Classification Scheme 2023. Collection method: clinical testing. Allele origin: germline.
Comment: The p.F1477L variant (also known as c.4429T>C), located in coding exon 12 of the BRCA1 gene, results from a T to C substitution at nucleotide position 4429. The phenylalanine at codon 1477 is replaced by leucine, an amino acid with highly similar properties. This amino acid position is conserved. In addition, the in silico prediction for this alteration is inconclusive. Based on the available evidence, the clinical significance of this variant remains unclear.